The following is an entry in ClinVar:

NM_004946.3(DOCK2):c.4163T>A (p.Met1388Lys)

Gene: DOCK2 (dedicator of cytokinesis 2; plus strand). Cytogenetic location: 5q35.1.
Variant type: single nucleotide variant.
Coding change: c.4163T>A on transcript NM_004946.3 (MANE Select); coding-DNA position 4163, T replaced by A.
Protein change: p.Met1388Lys; replaces methionine 1388 with lysine.
Molecular consequence: missense variant. On other transcripts: non-coding transcript variant (1).
Genome position (GRCh38, 1-based): chr5:170,050,347, T>A. VCF-style: chr5-170050347-T-A. GRCh37 (hg19) VCF-style: chr5-169477351-T-A.
Other names: short protein forms M1388K.
Identifiers: ClinVar variation 1028823 (VCV001028823.2), dbSNP rs765831486, ClinGen allele CA362110272.
Genomic context (GRCh38, chr5:170,050,347, plus strand): 5'-ATGAGCGAAGAGAAGATTTCCAGATGCAGCTGATGACCCAGTTCCCCAATGCAGAGAAGA[T>A]GAACACCACCTCTGCCCCGGGAGATGATGTGAAGAATGCCCCAGGCCAGTGTATCCTTGG-3'
Protein context (NP_004937.1, residues 1378-1398): LMTQFPNAEK[Met1388Lys]NTTSAPGDDV

ClinVar aggregate classification (germline): Uncertain significance. Review status: criteria provided, multiple submitters, no conflicts (2 of 4 stars). 2 submissions from 2 submitters: Uncertain significance (2). Last evaluated 2025-06-18.

Conditions:
Inborn genetic diseases. Identifiers: MedGen C0950123, MeSH D030342.
DOCK2 deficiency. Also called: Immunodeficiency 40. Identifiers: Orphanet 447737, MedGen C4225328, MONDO:0014637, OMIM 616433.

Submissions (2):

Ambry Genetics
Classification: Uncertain significance for Inborn genetic diseases. Last evaluated: 2025-06-18. Review status: criteria provided, single submitter. Criteria: Ambry Variant Classification Scheme 2023. Collection method: clinical testing. Allele origin: germline.

Baylor Genetics
Classification: Uncertain significance for DOCK2 deficiency. Last evaluated: 2019-09-26. Review status: criteria provided, single submitter. Criteria: ACMG Guidelines, 2015. Collection method: clinical testing. Allele origin: unknown. Affected: yes.
Comment: This variant was determined to be of uncertain significance according to ACMG Guidelines, 2015 [PMID:25741868].